The following is an entry in ClinVar:

NM_001458.5(FLNC):c.6600G>C (p.Glu2200Asp)

Genes: FLNC (filamin C; plus strand), FLNC-AS1 (FLNC antisense RNA 1; minus strand). Cytogenetic location: 7q32.1.
Variant type: single nucleotide variant.
Coding change: c.6600G>C on transcript NM_001458.5 (MANE Select); coding-DNA position 6600, G replaced by C.
Protein change: p.Glu2200Asp; replaces glutamic acid 2200 with aspartic acid.
Molecular consequence: missense variant.
Genome position (GRCh38, 1-based): chr7:128,854,089, G>C. VCF-style: chr7-128854089-G-C. GRCh37 (hg19) VCF-style: chr7-128494143-G-C.
Other names: c.6501G>C, p.Glu2167Asp (NM_001127487.2); short protein forms E2167D, E2200D.
Identifiers: ClinVar variation 4871453 (VCV004871453.1).

ClinVar aggregate classification (germline): Uncertain significance (1 of 4 stars; one submission).

Conditions:
Cardiovascular phenotype. Identifiers: MedGen CN230736.

Submission:

Ambry Genetics
Classification: Uncertain significance for Cardiovascular phenotype. Last evaluated: 2026-03-21. Review status: criteria provided, single submitter. Criteria: Ambry Variant Classification Scheme 2023. Collection method: clinical testing. Allele origin: germline.
Comment: The p.E2200D variant (also known as c.6600G>C), located in coding exon 40 of the FLNC gene, results from a G to C substitution at nucleotide position 6600. The glutamic acid at codon 2200 is replaced by aspartic acid, an amino acid with highly similar properties. This amino acid position is conserved. In addition, the in silico prediction for this alteration is inconclusive. Based on the available evidence, the clinical significance of this variant remains unclear.